The following is an entry in ClinVar:

ClinVar aggregate classification (germline): Uncertain significance (1 of 4 stars; one submission).

Conditions:
Oligodontia-cancer predisposition syndrome. Also called: TOOTH AGENESIS-COLORECTAL CANCER SYNDROME. Identifiers: Orphanet 300576, MedGen C1837750, MONDO:0012075, OMIM 608615. Disease mechanism: loss of function.

Submission:

Labcorp Genetics (formerly Invitae), Labcorp
Classification: Uncertain significance for Oligodontia-cancer predisposition syndrome. Last evaluated: 2017-02-13. Review status: criteria provided, single submitter. Criteria: Invitae Variant Classification Sherloc (09022015). Collection method: clinical testing. Allele origin: germline.
Comment: In summary, this variant is a novel missense change with uncertain impact on protein function. It has been classified as a Variant of Uncertain Significance. Algorithms developed to predict the effect of sequence changes on RNA splicing suggest that this variant may alter RNA splicing, but this prediction has not been confirmed by published transcriptional studies. Algorithms developed to predict the effect of missense changes on protein structure and function (SIFT, PolyPhen-2, Align-GVGD) all suggest that this variant is likely to be disruptive, but these predictions have not been confirmed by published functional studies. This variant is not present in population databases (ExAC no frequency) and has not been reported in the literature in individuals with a AXIN2-related disease. This sequence change replaces glycine with arginine at codon 815 of the AXIN2 protein (p.Gly815Arg). The glycine residue is highly conserved and there is a moderate physicochemical difference between glycine and arginine.

NM_004655.4(AXIN2):c.2443G>A (p.Gly815Arg)

Gene: AXIN2 (axin 2; minus strand). Cytogenetic location: 17q24.1.
Variant type: single nucleotide variant.
Coding change: c.2443G>A on transcript NM_004655.4 (MANE Select); coding-DNA position 2443, G replaced by A.
Protein change: p.Gly815Arg; replaces glycine 815 with arginine.
Molecular consequence: missense variant.
Genome position (GRCh38, 1-based): chr17:65,530,065, C>T on the plus strand (G>A on the coding strand, the complement: AXIN2 is on the minus strand). VCF-style: chr17-65530065-C-T. GRCh37 (hg19) VCF-style: chr17-63526183-C-T.
Other names: c.2443G>A (LRG_296t1); c.2248G>A, p.Gly750Arg (NM_001363813.1); short protein forms G815R, G750R.
Identifiers: ClinVar variation 464612 (VCV000464612.8), dbSNP rs1555575480, ClinGen allele CA400674903.
Genomic context (GRCh38, chr17:65,530,065, plus strand): 5'-TCCGGCCTTCATACATCGGGAGCACCGTCTCATCCTCCCAGATCTCCTCAAACACCGCTC[C>T]ACAGGCAAACTCATCGCTTGCTTTTTTGAAGTAATACCTTAAAAGGAAAACCAAAAAAGC-3'
Protein context (NP_004646.3, residues 805-825): FKKASDEFAC[Gly815Arg]AVFEEIWEDE